The following is an entry in ClinVar:

ClinVar aggregate classification (germline): Uncertain significance (1 of 4 stars; one submission).

Conditions:
EPB41-related disorder. Also called: EPB41-related condition.

Submission:

PreventionGenetics, part of Exact Sciences
Classification: Uncertain significance for EPB41-related condition. Last evaluated: 2025-04-15. Review status: criteria provided, single submitter. Criteria: ACMG Guidelines, 2015. Collection method: clinical testing. Allele origin: germline.
Comment: The EPB41 c.1436G>A variant is predicted to result in the amino acid substitution p.Gly479Glu. To our knowledge, this variant has not been reported in the literature or in a large population database (gnomAD), indicating this variant is rare. At this time, the clinical significance of this variant is uncertain due to the absence of conclusive functional and genetic evidence.

NM_001376013.1(EPB41):c.2162G>A (p.Gly721Glu)

Gene: EPB41 (erythrocyte membrane protein band 4.1; plus strand). Cytogenetic location: 1p35.3.
Variant type: single nucleotide variant.
Coding change: c.2162G>A on transcript NM_001376013.1 (MANE Select); coding-DNA position 2162, G replaced by A.
Protein change: p.Gly721Glu; replaces glycine 721 with glutamic acid.
Molecular consequence: missense variant.
Genome position (GRCh38, 1-based): chr1:29,065,136, G>A. VCF-style: chr1-29065136-G-A. GRCh37 (hg19) VCF-style: chr1-29391648-G-A.
Other names: c.2162G>A, p.Gly721Glu (NM_001166005.2, NM_001376016.1, NM_001376017.1 and 1 more transcripts); c.2120G>A, p.Gly707Glu (NM_001166006.2); c.1373G>A, p.Gly458Glu (NM_001166007.2, NM_001376027.1); c.2057G>A, p.Gly686Glu (NM_001376014.1, NM_001376015.1); c.2159G>A, p.Gly720Glu (NM_001376018.1, NM_001376020.1); c.2000G>A, p.Gly667Glu (NM_001376021.1); c.1535G>A, p.Gly512Glu (NM_001376022.1, NM_001376023.1, NM_001376024.1 and 1 more transcripts); c.1427G>A, p.Gly476Glu (NM_001376026.1); and 4 more; short protein forms G498E, G512E, G667E, G686E, G721E, G458E, G707E, G720E.
Identifiers: ClinVar variation 4985078 (VCV004985078.1).